The following is an entry in ClinVar:

NM_004385.5(VCAN):c.7061A>G (p.Asp2354Gly)

Genes: VCAN (versican; plus strand), VCAN-AS1 (VCAN antisense RNA 1; minus strand). Cytogenetic location: 5q14.3.
Variant type: single nucleotide variant.
Coding change: c.7061A>G on transcript NM_004385.5 (MANE Select); coding-DNA position 7061, A replaced by G.
Protein change: p.Asp2354Gly; replaces aspartic acid 2354 with glycine.
Molecular consequence: missense variant. On other transcripts: intron variant (2).
Genome position (GRCh38, 1-based): chr5:83,540,064, A>G. VCF-style: chr5-83540064-A-G. GRCh37 (hg19) VCF-style: chr5-82835883-A-G.
Other names: c.4100A>G, p.Asp1367Gly (NM_001164097.2); c.4004-5473A>G (NM_001164098.2); c.1043-5473A>G (NM_001126336.3); short protein forms D2354G, D1367G.
Identifiers: ClinVar variation 2702670 (VCV002702670.3), dbSNP rs1561257142, ClinGen allele CA360313925.

ClinVar aggregate classification (germline): Uncertain significance (1 of 4 stars; one submission).

Allele frequency attached by ClinVar (database versions not stated): gnomAD exomes below 0.00001.
gnomAD v4.1: 1 of 1,614,040 alleles (0.000062%); highest among the groups gnomAD compares: Non-Finnish European, 0.000085%; no homozygotes.

Submission:

Labcorp Genetics (formerly Invitae), Labcorp
Classification: Uncertain significance. Last evaluated: 2023-12-13. Review status: criteria provided, single submitter. Criteria: Invitae Variant Classification Sherloc (09022015). Collection method: clinical testing. Allele origin: germline.
Comment: This sequence change replaces aspartic acid, which is acidic and polar, with glycine, which is neutral and non-polar, at codon 2354 of the VCAN protein (p.Asp2354Gly). This variant is not present in population databases (gnomAD no frequency). This variant has not been reported in the literature in individuals affected with VCAN-related conditions. Algorithms developed to predict the effect of missense changes on protein structure and function output the following: SIFT: "Not Available"; PolyPhen-2: "Benign"; Align-GVGD: "Not Available". The glycine amino acid residue is found in multiple mammalian species, which suggests that this missense change does not adversely affect protein function. In summary, the available evidence is currently insufficient to determine the role of this variant in disease. Therefore, it has been classified as a Variant of Uncertain Significance.